The following is an entry in ClinVar:

ClinVar aggregate classification (germline): Pathogenic. Review status: criteria provided, single submitter (1 of 4 stars). 3 submissions from 2 submitters: Pathogenic (1). 2 of the submissions do not count toward it. Last evaluated 2026-09-08.

Conditions:
Fabry disease. Also called: ALPHA-GALACTOSIDASE A DEFICIENCY; ANDERSON-FABRY DISEASE; CERAMIDE TRIHEXOSIDASE DEFICIENCY; Fabry's disease; Angiokeratoma corporis diffusum; Ceramide trihexosidosis. Identifiers: Orphanet 324, MedGen C0002986, MONDO:0010526, OMIM 301500, HP:0001071. Disease mechanism: loss of function, Fabry disease is due to inactivating mutations in the X-linked GLA gene resulting in deficiency of the enzyme Alpha Galactosidase-A..
Migalastat response. Also called: 1-Deoxygalactonojirimycin response; Galafold response. Identifiers: MedGen CN233149.

Submissions (3):

Genomenon, Inc
Classification: Pathogenic for Fabry disease. Last evaluated: 2026-09-08. Review status: criteria provided, single submitter. Criteria: Genomenon Sequence Variant Interpretation Standards - Updated. Collection method: curation. Allele origin: germline. Affected: yes.
Comment: GLA p.Arg227Pro (c.680G>C) is a missense variant that changes the amino acid at codon 227 from Arginine to Proline. This variant has been observed in at least one proband with clinical features consistent with Fabry disease (PMID:26691501;33915609;30853972;29476735;26415523;33837397). The variant was found to segregate with disease in at least one affected family (PMID:26691501;33837397;30853972;29476735). At least one functional study has demonstrated a substantial alteration in protein function relative to the wild-type (PMID:32023956;26415523;29476735;27657681). This variant is located in a mutational hotspot and/or important functional domain. It is absent or not present at a significant frequency in gnomAD. In silico models predict that this variant is possibly or probably damaging. In conclusion, we classify GLA p.Arg227Pro (c.680G>C) as a pathogenic variant.

Albrecht-Kossel-Institute, Medical University Rostock
Classification: Pathogenic for Fabry's disease. Last evaluated: 2014-01-01. Review status: no assertion criteria provided. Collection method: research. Allele origin: inherited. Not counted in ClinVar's aggregate classification.

Albrecht-Kossel-Institute, Medical University Rostock
Classification: drug response for deoxygalactonojirimycin response. Last evaluated: 2014-01-01. Review status: no assertion criteria provided. Collection method: research. Allele origin: inherited. Not counted in ClinVar's aggregate classification.

Literature cited by the submitters: PubMed 26691501 (cited by Genomenon, Inc); PubMed 33915609 (cited by Genomenon, Inc); PubMed 30853972 (cited by Genomenon, Inc); PubMed 29476735 (cited by Genomenon, Inc); PubMed 26415523 (cited by Genomenon, Inc and Albrecht-Kossel-Institute, Medical University Rostock); PubMed 33837397 (cited by Genomenon, Inc); PubMed 32023956 (cited by Genomenon, Inc); PubMed 27657681 (cited by Genomenon, Inc).

NM_000169.3(GLA):c.680G>C (p.Arg227Pro)

Genes: GLA (galactosidase alpha; minus strand), RPL36A-HNRNPH2 (RPL36A-HNRNPH2 readthrough; plus strand). Cytogenetic location: Xq22.1.
Variant type: single nucleotide variant.
Coding change: c.680G>C on transcript NM_000169.3 (MANE Select); coding-DNA position 680, G replaced by C.
Protein change: p.Arg227Pro; replaces arginine 227 with proline.
Molecular consequence: missense variant. On other transcripts: non-coding transcript variant (3), intron variant (2).
Genome position (GRCh38, 1-based): chrX:101,398,906, C>G on the plus strand (G>C on the coding strand, the complement: GLA is on the minus strand). VCF-style: chrX-101398906-C-G. GRCh37 (hg19) VCF-style: chrX-100653894-C-G.
Other names: c.803G>C, p.Arg268Pro (NM_001406747.1); c.680G>C, p.Arg227Pro (NM_001406748.1); c.300+3449C>G (NM_001199973.2); c.177+7084C>G (NM_001199974.2); short protein forms R227P, R268P.
Identifiers: ClinVar variation 217394 (VCV000217394.3), dbSNP rs104894840, ClinGen allele CA089014.